The following is an entry in ClinVar:

ClinVar aggregate classification (germline): Uncertain significance (1 of 4 stars; one submission).

Conditions:
VPS13B-related disorder. Also called: VPS13B-related condition.

gnomAD v4.1: 1 of 1,613,580 alleles (0.000062%); no homozygotes.

Submission:

PreventionGenetics, part of Exact Sciences
Classification: Uncertain significance for VPS13B-related condition. Last evaluated: 2026-07-13. Review status: criteria provided, single submitter. Criteria: ACMG Guidelines, 2015. Collection method: clinical testing. Allele origin: germline.
Comment: The VPS13B c.2386C>A variant is predicted to result in the amino acid substitution p.Leu796Ile. To our knowledge, this variant has not been reported in the literature. This variant is reported in 0.0046% of alleles in individuals of European (Finnish) descent in gnomAD. At this time, the clinical significance of this variant is uncertain due to the absence of conclusive functional and genetic evidence.

NM_152564.5(VPS13B):c.2386C>A (p.Leu796Ile)

Gene: VPS13B (vacuolar protein sorting 13 homolog B; plus strand). Cytogenetic location: 8q22.2.
Variant type: single nucleotide variant.
Coding change: c.2386C>A on transcript NM_152564.5 (MANE Select); coding-DNA position 2386, C replaced by A.
Protein change: p.Leu796Ile; replaces leucine 796 with isoleucine.
Molecular consequence: missense variant.
Genome position (GRCh38, 1-based): chr8:99,192,928, C>A. VCF-style: chr8-99192928-C-A. GRCh37 (hg19) VCF-style: chr8-100205156-C-A.
Other names: c.2386C>A, p.Leu796Ile (NM_015243.3, NM_017890.5); short protein forms L796I.
Identifiers: ClinVar variation 4991830 (VCV004991830.1).